The following is an entry in ClinVar:

ClinVar aggregate classification (germline): Uncertain significance (1 of 4 stars; one submission).

Conditions:
Hereditary cancer-predisposing syndrome. Also called: Neoplastic Syndromes, Hereditary; Tumor predisposition; Hereditary Cancer Syndrome; Hereditary neoplastic syndrome. Identifiers: Orphanet 140162, MedGen C0027672, MeSH D009386, MONDO:0015356.

Submission:

Ambry Genetics
Classification: Uncertain significance for Hereditary cancer-predisposing syndrome. Last evaluated: 2025-09-05. Review status: criteria provided, single submitter. Criteria: Ambry Variant Classification Scheme 2023. Collection method: clinical testing. Allele origin: germline.
Comment: The p.K512E variant (also known as c.1534A>G), located in coding exon 5 of the AXIN2 gene, results from an A to G substitution at nucleotide position 1534. The lysine at codon 512 is replaced by glutamic acid, an amino acid with similar properties. This amino acid position is highly conserved in available vertebrate species. In addition, the in silico prediction for this alteration is inconclusive. Based on the available evidence, the clinical significance of this variant remains unclear.

NM_004655.4(AXIN2):c.1534A>G (p.Lys512Glu)

Gene: AXIN2 (axin 2; minus strand). Cytogenetic location: 17q24.1.
Variant type: single nucleotide variant.
Coding change: c.1534A>G on transcript NM_004655.4 (MANE Select); coding-DNA position 1534, A replaced by G.
Protein change: p.Lys512Glu; replaces lysine 512 with glutamic acid.
Molecular consequence: missense variant.
Genome position (GRCh38, 1-based): chr17:65,537,502, T>C on the plus strand (A>G on the coding strand, the complement: AXIN2 is on the minus strand). VCF-style: chr17-65537502-T-C. GRCh37 (hg19) VCF-style: chr17-63533620-T-C.
Other names: c.1534A>G, p.Lys512Glu (NM_001363813.1); short protein forms K512E.
Identifiers: ClinVar variation 4188515 (VCV004188515.1).